The following is an entry in ClinVar:

NM_001282531.3(ADNP):c.2033C>G (p.Ser678Ter)

Gene: ADNP (activity dependent neuroprotector homeobox; minus strand). Cytogenetic location: 20q13.13.
Variant type: single nucleotide variant.
Coding change: c.2033C>G on transcript NM_001282531.3 (MANE Select); coding-DNA position 2033, C replaced by G.
Protein change: p.Ser678Ter; replaces serine 678 with a stop codon.
Molecular consequence: nonsense.
Genome position (GRCh38, 1-based): chr20:50,892,681, G>C on the plus strand (C>G on the coding strand, the complement: ADNP is on the minus strand). VCF-style: chr20-50892681-G-C. GRCh37 (hg19) VCF-style: chr20-49509218-G-C.
Other names: c.2033C>G, p.Ser678Ter (NM_001282532.2, NM_001347511.2, NM_015339.5 and 1 more transcripts); short protein forms S678*.
Identifiers: ClinVar variation 3725768 (VCV003725768.2).

ClinVar aggregate classification (germline): Pathogenic (1 of 4 stars; one submission).

Submission:

Labcorp Genetics (formerly Invitae), Labcorp
Classification: Pathogenic. Last evaluated: 2024-11-21. Review status: criteria provided, single submitter. Criteria: Invitae Variant Classification Sherloc (09022015). Collection method: clinical testing. Allele origin: germline.
Comment: This sequence change creates a premature translational stop signal (p.Ser678*) in the ADNP gene. While this is not anticipated to result in nonsense mediated decay, it is expected to disrupt the last 425 amino acid(s) of the ADNP protein. This variant is not present in population databases (gnomAD no frequency). This variant has not been reported in the literature in individuals affected with ADNP-related conditions. This variant disrupts a region of the ADNP protein in which other variant(s) (p.Met1088Serfs*5) have been determined to be pathogenic (PMID: 28135719). This suggests that this is a clinically significant region of the protein, and that variants that disrupt it are likely to be disease-causing. For these reasons, this variant has been classified as Pathogenic.

Literature cited by the submitters: PubMed 28135719.